The following is an entry in ClinVar:

ClinVar aggregate classification (germline): Likely benign. Review status: criteria provided, single submitter (1 of 4 stars). 2 submissions from 2 submitters: Likely benign (1). 1 of the submissions does not count toward it. Last evaluated 2024-10-29.

Conditions:
WDPCP-related disorder. Also called: WDPCP-related condition.
Bardet-Biedl syndrome (BBS). Identifiers: Orphanet 110, MedGen C0752166, MONDO:0015229.

Allele frequency attached by ClinVar (database versions not stated): gnomAD 0.00001; TOPMed 0.00002; ESP Exome Variant Server 0.00008.
gnomAD v4.1: 30 of 1,569,998 alleles (0.0019%); highest among the groups gnomAD compares: African/African-American, 0.0027%; no homozygotes.

Submissions (2):

Labcorp Genetics (formerly Invitae), Labcorp
Classification: Likely benign for Bardet-Biedl syndrome. Last evaluated: 2024-10-29. Review status: criteria provided, single submitter. Criteria: Invitae Variant Classification Sherloc (09022015). Collection method: clinical testing. Allele origin: germline.

PreventionGenetics, part of Exact Sciences
Classification: Likely benign for WDPCP-related condition. Last evaluated: 2023-12-12. Review status: no assertion criteria provided. Collection method: clinical testing. Allele origin: germline. Not counted in ClinVar's aggregate classification.
Comment: This variant is classified as likely benign based on ACMG/AMP sequence variant interpretation guidelines (Richards et al. 2015 PMID: 25741868, with internal and published modifications).

NM_015910.7(WDPCP):c.63A>G (p.Pro21=)

Gene: WDPCP (WD repeat containing planar cell polarity effector; minus strand). Cytogenetic location: 2p15.
Variant type: single nucleotide variant.
Coding change: c.63A>G on transcript NM_015910.7 (MANE Select); coding-DNA position 63, A replaced by G.
Protein change: p.Pro21=; no amino-acid change (proline 21 retained).
Molecular consequence: synonymous variant. On other transcripts: 5 prime UTR variant (1), non-coding transcript variant (2).
Genome position (GRCh38, 1-based): chr2:63,588,209, T>C on the plus strand (A>G on the coding strand, the complement: WDPCP is on the minus strand). VCF-style: chr2-63588209-T-C. GRCh37 (hg19) VCF-style: chr2-63815343-T-C.
Other names: c.-262A>G (NM_001354044.2); c.63A>G, p.Pro21= (NM_001354045.2).
Identifiers: ClinVar variation 3054690 (VCV003054690.4), dbSNP rs373664805, ClinGen allele CA1682651.